The following is an entry in ClinVar:

NM_001256789.3(CACNA1F):c.5188A>C (p.Lys1730Gln)

Gene: CACNA1F (calcium voltage-gated channel subunit alpha1 F; minus strand). Cytogenetic location: Xp11.23.
Variant type: single nucleotide variant.
Coding change: c.5188A>C on transcript NM_001256789.3 (MANE Select); coding-DNA position 5188, A replaced by C.
Protein change: p.Lys1730Gln; replaces lysine 1730 with glutamine.
Molecular consequence: missense variant.
Genome position (GRCh38, 1-based): chrX:49,207,048, T>G on the plus strand (A>C on the coding strand, the complement: CACNA1F is on the minus strand). VCF-style: chrX-49207048-T-G. GRCh37 (hg19) VCF-style: chrX-49063509-T-G.
Other names: c.5026A>C, p.Lys1676Gln (NM_001256790.3); c.5221A>C, p.Lys1741Gln (NM_005183.4); short protein forms K1741Q, K1730Q, K1676Q.
Identifiers: ClinVar variation 2824477 (VCV002824477.3), dbSNP rs2520702645, ClinGen allele CA412958679.

ClinVar aggregate classification (germline): Uncertain significance (1 of 4 stars; one submission).

Allele frequency attached by ClinVar (database versions not stated): gnomAD exomes below 0.00001.
gnomAD v4.1: 1 of 1,203,918 alleles (0.000083%); highest among the groups gnomAD compares: South Asian, 0.0018%; no homozygotes.

Submission:

Labcorp Genetics (formerly Invitae), Labcorp
Classification: Uncertain significance. Last evaluated: 2022-12-27. Review status: criteria provided, single submitter. Criteria: Invitae Variant Classification Sherloc (09022015). Collection method: clinical testing. Allele origin: germline.
Comment: In summary, the available evidence is currently insufficient to determine the role of this variant in disease. Therefore, it has been classified as a Variant of Uncertain Significance. Algorithms developed to predict the effect of missense changes on protein structure and function output the following: SIFT: "Tolerated"; PolyPhen-2: "Benign"; Align-GVGD: "Class C0". The glutamine amino acid residue is found in multiple mammalian species, which suggests that this missense change does not adversely affect protein function. This variant has not been reported in the literature in individuals affected with CACNA1F-related conditions. This variant is not present in population databases (gnomAD no frequency). This sequence change replaces lysine, which is basic and polar, with glutamine, which is neutral and polar, at codon 1741 of the CACNA1F protein (p.Lys1741Gln).